The following is an entry in ClinVar:

NM_006231.4(POLE):c.4885G>A (p.Ala1629Thr)

Gene: POLE (DNA polymerase epsilon, catalytic subunit; minus strand). Cytogenetic location: 12q24.33.
Variant type: single nucleotide variant.
Coding change: c.4885G>A on transcript NM_006231.4 (MANE Select); coding-DNA position 4885, G replaced by A.
Protein change: p.Ala1629Thr; replaces alanine 1629 with threonine.
Molecular consequence: missense variant.
Genome position (GRCh38, 1-based): chr12:132,642,573, C>T on the plus strand (G>A on the coding strand, the complement: POLE is on the minus strand). VCF-style: chr12-132642573-C-T. GRCh37 (hg19) VCF-style: chr12-133219159-C-T.
Other names: short protein forms A1629T.
Identifiers: ClinVar variation 1060440 (VCV001060440.12), dbSNP rs1355270758, ClinGen allele CA387378023.

ClinVar aggregate classification (germline): Uncertain significance. Review status: criteria provided, multiple submitters, no conflicts (2 of 4 stars). 2 submissions from 2 submitters: Uncertain significance (2). Last evaluated 2025-12-08.

Conditions:
Hereditary cancer-predisposing syndrome. Also called: Neoplastic Syndromes, Hereditary; Hereditary Cancer Syndrome; Hereditary neoplastic syndrome; Tumor predisposition. Identifiers: Orphanet 140162, MedGen C0027672, MeSH D009386, MONDO:0015356.

gnomAD v4.1: 2 of 1,613,538 alleles (0.00012%); highest among the groups gnomAD compares: Non-Finnish European, 0.000085%; no homozygotes.

Submissions (2):

Labcorp Genetics (formerly Invitae), Labcorp
Classification: Uncertain significance. Last evaluated: 2025-12-08. Review status: criteria provided, single submitter. Criteria: Invitae Variant Classification Sherloc (09022015). Collection method: clinical testing. Allele origin: germline.
Comment: This sequence change replaces alanine, which is neutral and non-polar, with threonine, which is neutral and polar, at codon 1629 of the POLE protein (p.Ala1629Thr). This variant is not present in population databases (gnomAD no frequency). This variant has not been reported in the literature in individuals affected with POLE-related conditions. ClinVar contains an entry for this variant (Variation ID: 1060440). Invitae Evidence Modeling of protein sequence and biophysical properties (such as structural, functional, and spatial information, amino acid conservation, physicochemical variation, residue mobility, and thermodynamic stability) indicates that this missense variant is not expected to disrupt POLE protein function with a negative predictive value of 80%. In summary, the available evidence is currently insufficient to determine the role of this variant in disease. Therefore, it has been classified as a Variant of Uncertain Significance.

Ambry Genetics
Classification: Uncertain significance for Hereditary cancer-predisposing syndrome. Last evaluated: 2025-01-27. Review status: criteria provided, single submitter. Criteria: Ambry Variant Classification Scheme 2023. Collection method: clinical testing. Allele origin: germline.
Comment: The p.A1629T variant (also known as c.4885G>A), located in coding exon 37 of the POLE gene, results from a G to A substitution at nucleotide position 4885. The alanine at codon 1629 is replaced by threonine, an amino acid with similar properties. This amino acid position is conserved. In addition, the in silico prediction for this alteration is inconclusive. Based on the available evidence, the clinical significance of this variant remains unclear.